The following is an entry in ClinVar:

NM_005458.8(GABBR2):c.792C>A (p.Phe264Leu)

Gene: GABBR2 (gamma-aminobutyric acid type B receptor subunit 2; minus strand). Cytogenetic location: 9q22.33.
Variant type: single nucleotide variant.
Coding change: c.792C>A on transcript NM_005458.8 (MANE Select); coding-DNA position 792, C replaced by A.
Protein change: p.Phe264Leu; replaces phenylalanine 264 with leucine.
Molecular consequence: missense variant.
Genome position (GRCh38, 1-based): chr9:98,480,938, G>T on the plus strand (C>A on the coding strand, the complement: GABBR2 is on the minus strand). VCF-style: chr9-98480938-G-T. GRCh37 (hg19) VCF-style: chr9-101243220-G-T.
Other names: short protein forms F264L.
Identifiers: ClinVar variation 2793349 (VCV002793349.2), dbSNP rs1826908954, ClinGen allele CA374351716.

ClinVar aggregate classification (germline): Uncertain significance (1 of 4 stars; one submission).

Conditions:
Epileptic encephalopathy. Identifiers: MedGen C0543888, HP:0200134.

Allele frequency attached by ClinVar (database versions not stated): TOPMed 0.00001.
gnomAD v4.1: 1 of 1,588,588 alleles (0.000063%); highest among the groups gnomAD compares: Admixed American, 0.0017%; no homozygotes.

Submission:

Labcorp Genetics (formerly Invitae), Labcorp
Classification: Uncertain significance for Epileptic encephalopathy. Last evaluated: 2025-05-17. Review status: criteria provided, single submitter. Criteria: Invitae Variant Classification Sherloc (09022015). Collection method: clinical testing. Allele origin: germline.
Comment: This sequence change replaces phenylalanine, which is neutral and non-polar, with leucine, which is neutral and non-polar, at codon 264 of the GABBR2 protein (p.Phe264Leu). This variant is not present in population databases (gnomAD no frequency). This variant has not been reported in the literature in individuals affected with GABBR2-related conditions. ClinVar contains an entry for this variant (Variation ID: 2793349). Invitae Evidence Modeling of protein sequence and biophysical properties (such as structural, functional, and spatial information, amino acid conservation, physicochemical variation, residue mobility, and thermodynamic stability) indicates that this missense variant is not expected to disrupt GABBR2 protein function with a negative predictive value of 80%. In summary, the available evidence is currently insufficient to determine the role of this variant in disease. Therefore, it has been classified as a Variant of Uncertain Significance.